The following is an entry in ClinVar:

ClinVar aggregate classification (germline): Uncertain significance. Review status: criteria provided, multiple submitters, no conflicts (2 of 4 stars). 2 submissions from 2 submitters: Uncertain significance (2). Last evaluated 2024-08-05.

Conditions:
Autoinflammatory syndrome. Identifiers: Orphanet 93665, MedGen C3890737, MONDO:0019751.

Allele frequency attached by ClinVar (database versions not stated): gnomAD exomes below 0.00001 and 0.00001; ExAC 0.00001.
gnomAD v4.1: 14 of 1,613,890 alleles (0.00087%); highest among the groups gnomAD compares: Admixed American, 0.0033%; no homozygotes.

Submissions (2):

Mayo Clinic Laboratories, Mayo Clinic
Classification: Uncertain significance. Last evaluated: 2024-08-05. Review status: criteria provided, single submitter. Criteria: ACMG Guidelines, 2015. Collection method: clinical testing. Allele origin: germline. Observed: 1 variant allele.
Comment: PM2

Genome Diagnostics Laboratory, The Hospital for Sick Children
Classification: Uncertain significance for Autoinflammatory syndrome. Last evaluated: 2020-01-01. Review status: criteria provided, single submitter. Criteria: ACMG Guidelines, 2015. Collection method: clinical testing. Allele origin: germline. Affected: yes.

NM_001375808.2(LPIN2):c.2011C>T (p.Arg671Cys)

Gene: LPIN2 (lipin 2; minus strand). Cytogenetic location: 18p11.31.
Variant type: single nucleotide variant.
Coding change: c.2011C>T on transcript NM_001375808.2 (MANE Select); coding-DNA position 2011, C replaced by T.
Protein change: p.Arg671Cys; replaces arginine 671 with cysteine.
Molecular consequence: missense variant.
Genome position (GRCh38, 1-based): chr18:2,924,474, G>A on the plus strand (C>T on the coding strand, the complement: LPIN2 is on the minus strand). VCF-style: chr18-2924474-G-A. GRCh37 (hg19) VCF-style: chr18-2924472-G-A.
Other names: p.Arg671Cys; c.2011C>T, p.Arg671Cys (NM_001375809.1, NM_014646.2); short protein forms R671C.
Identifiers: ClinVar variation 1694300 (VCV001694300.4), dbSNP rs773597485, ClinGen allele CA8872883.